The following is an entry in ClinVar:

NM_024529.5(CDC73):c.1159G>A (p.Val387Ile)

Gene: CDC73 (cell division cycle 73; plus strand). Cytogenetic location: 1q31.2.
Variant type: single nucleotide variant.
Coding change: c.1159G>A on transcript NM_024529.5 (MANE Select); coding-DNA position 1159, G replaced by A.
Protein change: p.Val387Ile; replaces valine 387 with isoleucine.
Molecular consequence: missense variant.
Genome position (GRCh38, 1-based): chr1:193,232,997, G>A. VCF-style: chr1-193232997-G-A. GRCh37 (hg19) VCF-style: chr1-193202127-G-A.
Other names: short protein forms V387I.
Identifiers: ClinVar variation 1736142 (VCV001736142.7), dbSNP rs2527493698, ClinGen allele CA344077716.

ClinVar aggregate classification (germline): Uncertain significance. Review status: criteria provided, multiple submitters, no conflicts (2 of 4 stars). 2 submissions from 2 submitters: Uncertain significance (2). Last evaluated 2023-06-10.

Conditions:
Hereditary cancer-predisposing syndrome. Also called: Neoplastic Syndromes, Hereditary; Tumor predisposition; Hereditary Cancer Syndrome; Hereditary neoplastic syndrome. Identifiers: Orphanet 140162, MedGen C0027672, MeSH D009386, MONDO:0015356.
Parathyroid carcinoma (PRTC). Also called: CDC73-Related Parathyroid Carcinoma; Parathyroid gland carcinoma. Identifiers: Orphanet 143, MedGen C0687150, MONDO:0012004, OMIM 608266, HP:0006780.

Submissions (2):

Labcorp Genetics (formerly Invitae), Labcorp
Classification: Uncertain significance for Parathyroid carcinoma. Last evaluated: 2023-06-10. Review status: criteria provided, single submitter. Criteria: Invitae Variant Classification Sherloc (09022015). Collection method: clinical testing. Allele origin: germline.
Comment: In summary, the available evidence is currently insufficient to determine the role of this variant in disease. Therefore, it has been classified as a Variant of Uncertain Significance. Advanced modeling of protein sequence and biophysical properties (such as structural, functional, and spatial information, amino acid conservation, physicochemical variation, residue mobility, and thermodynamic stability) performed at Invitae indicates that this missense variant is not expected to disrupt CDC73 protein function. ClinVar contains an entry for this variant (Variation ID: 1736142). This variant has not been reported in the literature in individuals affected with CDC73-related conditions. This variant is not present in population databases (gnomAD no frequency). This sequence change replaces valine, which is neutral and non-polar, with isoleucine, which is neutral and non-polar, at codon 387 of the CDC73 protein (p.Val387Ile).

Ambry Genetics
Classification: Uncertain significance for Hereditary cancer-predisposing syndrome. Last evaluated: 2022-10-11. Review status: criteria provided, single submitter. Criteria: Ambry Variant Classification Scheme 2023. Collection method: clinical testing. Allele origin: germline.
Comment: The p.V387I variant (also known as c.1159G>A), located in coding exon 14 of the CDC73 gene, results from a G to A substitution at nucleotide position 1159. The valine at codon 387 is replaced by isoleucine, an amino acid with highly similar properties. This amino acid position is conserved. In addition, this alteration is predicted to be tolerated by in silico analysis. Since supporting evidence is limited at this time, the clinical significance of this alteration remains unclear.